The following is an entry in ClinVar:

ClinVar aggregate classification (germline): Uncertain significance (1 of 4 stars; one submission).

Submission:

GeneDx
Classification: Uncertain significance. Last evaluated: 2025-11-13. Review status: criteria provided, single submitter. Criteria: GeneDx Variant Classification Process June 2021. Collection method: clinical testing. Allele origin: germline.
Comment: Not observed at significant frequency in large population cohorts (gnomAD); In silico analysis supports that this missense variant has a deleterious effect on protein structure/function; Has not been previously published as pathogenic or benign to our knowledge; This substitution is predicted to be within the cytoplasmic loop between the first and second homologous domains

NM_001330260.2(SCN8A):c.1698C>A (p.Phe566Leu)

Gene: SCN8A (sodium voltage-gated channel alpha subunit 8; plus strand). Cytogenetic location: 12q13.13.
Variant type: single nucleotide variant.
Coding change: c.1698C>A on transcript NM_001330260.2 (MANE Select); coding-DNA position 1698, C replaced by A.
Protein change: p.Phe566Leu; replaces phenylalanine 566 with leucine.
Molecular consequence: missense variant.
Genome position (GRCh38, 1-based): chr12:51,721,608, C>A. VCF-style: chr12-51721608-C-A. GRCh37 (hg19) VCF-style: chr12-52115392-C-A.
Other names: c.1698C>A (NM_001330260.1); c.1698C>A, p.Phe566Leu (NM_001177984.3, NM_001369788.1, NM_014191.4); short protein forms F566L.
Identifiers: ClinVar variation 4083178 (VCV004083178.2).
Genomic context (GRCh38, chr12:51,721,608, plus strand): 5'-ACTGCTCAGCATCCCAGGCTCGCCCTTCCTCTCCCGCCACAACAGCAAGAGCAGCATCTT[C>A]AGTTTCAGGGGACCTGGGCGGTTCCGAGACCCGGGCTCCGAGAATGAGTTCGCGGATGAC-3'
Protein context (NP_001317189.1, residues 556-576): LSRHNSKSSI[Phe566Leu]SFRGPGRFRD